The following is an entry in ClinVar:

NM_003680.4(YARS1):c.631A>T (p.Met211Leu)

Gene: YARS1 (tyrosyl-tRNA synthetase 1; minus strand). Cytogenetic location: 1p35.1.
Variant type: single nucleotide variant.
Coding change: c.631A>T on transcript NM_003680.4 (MANE Select); coding-DNA position 631, A replaced by T.
Protein change: p.Met211Leu; replaces methionine 211 with leucine.
Molecular consequence: missense variant.
Genome position (GRCh38, 1-based): chr1:32,791,215, T>A on the plus strand (A>T on the coding strand, the complement: YARS1 is on the minus strand). VCF-style: chr1-32791215-T-A. GRCh37 (hg19) VCF-style: chr1-33256816-T-A.
Other names: short protein forms M211L.
Identifiers: ClinVar variation 955500 (VCV000955500.8), dbSNP rs1426757940, ClinGen allele CA339686395.

ClinVar aggregate classification (germline): Uncertain significance (1 of 4 stars; one submission).

Conditions:
Charcot-Marie-Tooth disease dominant intermediate C (CMTDIC). Also called: CHARCOT-MARIE-TOOTH NEUROPATHY, DOMINANT INTERMEDIATE C. Identifiers: Orphanet 100045, MedGen C1842237, MONDO:0012012, OMIM 608323.

Allele frequency attached by ClinVar (database versions not stated): gnomAD exomes below 0.00001 and 0.00001.

Submission:

Labcorp Genetics (formerly Invitae), Labcorp
Classification: Uncertain significance for Charcot-Marie-Tooth disease dominant intermediate C. Last evaluated: 2019-09-20. Review status: criteria provided, single submitter. Criteria: Invitae Variant Classification Sherloc (09022015). Collection method: clinical testing. Allele origin: germline.
Comment: In summary, the available evidence is currently insufficient to determine the role of this variant in disease. Therefore, it has been classified as a Variant of Uncertain Significance. Algorithms developed to predict the effect of missense changes on protein structure and function are either unavailable or do not agree on the potential impact of this missense change (SIFT: "Not Available"; PolyPhen-2: "Probably Damaging"; Align-GVGD: "Not Available"). This variant has not been reported in the literature in individuals with YARS-related conditions. This variant is not present in population databases (ExAC no frequency). This sequence change replaces methionine with leucine at codon 211 of the YARS protein (p.Met211Leu). The methionine residue is highly conserved and there is a small physicochemical difference between methionine and leucine.